The following is an entry in ClinVar:

ClinVar aggregate classification (germline): Pathogenic. Review status: criteria provided, multiple submitters, no conflicts (2 of 4 stars). 9 submissions from 9 submitters: Pathogenic (8). 1 of the submissions does not count toward it. Last evaluated 2025-07-17.

Conditions:
Inborn genetic diseases. Identifiers: MedGen C0950123, MeSH D030342.
Cohen syndrome (COH1). Also called: PEPPER SYNDROME; Cutis verticis gyrata, retinitis pigmentosa, and sensorineural deafness. Identifiers: Orphanet 193, MedGen C0265223, MONDO:0008999, OMIM 216550.

Allele frequency attached by ClinVar (database versions not stated): gnomAD exomes below 0.00001 and 0.00001; gnomAD 0.00001; TOPMed 0.00002.
gnomAD v4.1: 22 of 1,613,546 alleles (0.0014%); highest among the groups gnomAD compares: South Asian, 0.0022%; no homozygotes.

Submissions (9):

Natera, Inc.
Classification: Pathogenic for Cohen syndrome. Last evaluated: 2025-07-17. Review status: criteria provided, single submitter. Criteria: Natera Variant Classification Schema (03/2026). Collection method: clinical testing. Allele origin: germline.
Comment: The c.2911C>T variant in VPS13B is a nonsense variant predicted to introduce a stop codon at amino acid 971. This variant is expected to result in nonsense mediated decay, truncation, or a dysfunctional protein product. This variant is rare in the general population with a frequency below the threshold expected for the associated phenotype(s). This variant has been observed in one or more individuals affected with the associated recessive disease, as either homozygous or compound heterozygous with a second variant (PMID: 15154116). Given the available evidence, this variant is classified as Pathogenic.

Revvity Omics, Revvity
Classification: Pathogenic for Cohen syndrome. Last evaluated: 2025-03-25. Review status: criteria provided, single submitter. Criteria: ACMG Guidelines, 2015. Collection method: clinical testing. Allele origin: germline.

GeneDx
Classification: Pathogenic. Last evaluated: 2024-05-08. Review status: criteria provided, single submitter. Criteria: GeneDx Variant Classification Process June 2021. Collection method: clinical testing. Allele origin: germline. Affected: yes.
Comment: Nonsense variant predicted to result in protein truncation or nonsense mediated decay in a gene for which loss-of-function is a known mechanism of disease; Not observed at significant frequency in large population cohorts (gnomAD); This variant is associated with the following publications: (PMID: 30843084, 26104215, 22382802, 21418059, 35898454, 36368352, 15154116, 32384097)

Fulgent Genetics
Classification: Pathogenic for Cohen syndrome. Last evaluated: 2024-03-12. Review status: criteria provided, single submitter. Criteria: ACMG Guidelines, 2015. Collection method: clinical testing. Allele origin: germline.

Labcorp Genetics (formerly Invitae), Labcorp
Classification: Pathogenic for Cohen syndrome. Last evaluated: 2023-12-18. Review status: criteria provided, single submitter. Criteria: Invitae Variant Classification Sherloc (09022015). Collection method: clinical testing. Allele origin: germline.
Comment: This sequence change creates a premature translational stop signal (p.Arg971*) in the VPS13B gene. It is expected to result in an absent or disrupted protein product. Loss-of-function variants in VPS13B are known to be pathogenic (PMID: 15141358, 16648375, 20461111). This variant is present in population databases (rs120074152, gnomAD 0.0009%). This premature translational stop signal has been observed in individual(s) with Cohen syndrome (PMID: 15154116). ClinVar contains an entry for this variant (Variation ID: 2823). For these reasons, this variant has been classified as Pathogenic.

Women's Health and Genetics/Laboratory Corporation of America, LabCorp
Classification: Pathogenic for Cohen syndrome. Last evaluated: 2021-04-09. Review status: criteria provided, single submitter. Criteria: LabCorp Variant Classification Summary - May 2015. Collection method: clinical testing. Allele origin: germline.
Comment: Variant summary: VPS13B c.2911C>T (p.Arg971X) results in a premature termination codon, predicted to cause a truncation of the encoded protein or absence of the protein due to nonsense mediated decay, which are commonly known mechanisms for disease. Truncations downstream of this position have been classified as pathogenic by our laboratory. The variant allele was found at a frequency of 4e-06 in 251120 control chromosomes. c.2911C>T has been reported in the literature in homozygous and compound heterozygous individuals affected with Cohen Syndrome (e.g. Hennies_2004, Seifert_2008, Duplomb_2019). These data indicate that the variant is likely to be associated with disease. To our knowledge, no experimental evidence demonstrating an impact on protein function has been reported. Three other clinical diagnostic laboratories have submitted clinical-significance assessments for this variant to ClinVar after 2014 without evidence for independent evaluation. All laboratories cited the variant as pathogenic. Based on the evidence outlined above, the variant was classified as pathogenic.

Ambry Genetics
Classification: Pathogenic for Inborn genetic diseases. Last evaluated: 2017-10-11. Review status: criteria provided, single submitter. Criteria: Ambry exome assertion method (8-5-2015). Collection method: clinical testing. Allele origin: germline. Affected: yes. Observed: 1 variant allele.

Equipe Genetique des Anomalies du Developpement, Université de Bourgogne
Classification: Pathogenic for Cohen syndrome. Last evaluated: 2017-01-17. Review status: criteria provided, single submitter. Criteria: ACMG Guidelines, 2015. Collection method: clinical testing. Allele origin: unknown. Affected: yes.

OMIM
Classification: Pathogenic for COHEN SYNDROME. Last evaluated: 2004-07-01. Review status: no assertion criteria provided. Collection method: literature only. Allele origin: germline. Not counted in ClinVar's aggregate classification.

Literature cited by the submitters: PubMed 15154116 (cited by 5 submitters); PubMed 15141358 (cited by Labcorp Genetics (formerly Invitae), Labcorp); PubMed 16648375 (cited by Labcorp Genetics (formerly Invitae), Labcorp); PubMed 20461111 (cited by Labcorp Genetics (formerly Invitae), Labcorp); PubMed 19006247 (cited by Women's Health and Genetics/Laboratory Corporation of America, LabCorp and Ambry Genetics); PubMed 30843084 (cited by Women's Health and Genetics/Laboratory Corporation of America, LabCorp); PubMed 32384097 (cited by Women's Health and Genetics/Laboratory Corporation of America, LabCorp).

NM_152564.5(VPS13B):c.2911C>T (p.Arg971Ter)

Gene: VPS13B (vacuolar protein sorting 13 homolog B; plus strand). Cytogenetic location: 8q22.2.
Variant type: single nucleotide variant.
Coding change: c.2911C>T on transcript NM_152564.5 (MANE Select); coding-DNA position 2911, C replaced by T.
Protein change: p.Arg971Ter; replaces arginine 971 with a stop codon.
Molecular consequence: nonsense.
Genome position (GRCh38, 1-based): chr8:99,384,294, C>T. VCF-style: chr8-99384294-C-T. GRCh37 (hg19) VCF-style: chr8-100396522-C-T.
Other names: c.2911C>T, p.Arg971Ter (NM_017890.5); short protein forms R971*.
Identifiers: ClinVar variation 2823 (VCV000002823.25), dbSNP rs120074152, ClinGen allele CA252438.